The following is an entry in ClinVar:

NM_018112.3(TMEM38B):c.2T>C (p.Met1Thr)

Gene: TMEM38B (transmembrane protein 38B; plus strand). Cytogenetic location: 9q31.2.
Variant type: single nucleotide variant.
Coding change: c.2T>C on transcript NM_018112.3 (MANE Select); coding-DNA position 2, T replaced by C.
Protein change: p.Met1Thr; changes the start codon (methionine 1).
Molecular consequence: missense variant, initiator codon variant.
Genome position (GRCh38, 1-based): chr9:105,694,662, T>C. VCF-style: chr9-105694662-T-C. GRCh37 (hg19) VCF-style: chr9-108456943-T-C.
Other names: short protein forms M1T.
Identifiers: ClinVar variation 1963687 (VCV001963687.6), dbSNP rs754889246, ClinGen allele CA5170746.

ClinVar aggregate classification (germline): Uncertain significance (1 of 4 stars; one submission).

Allele frequency attached by ClinVar (database versions not stated): gnomAD exomes below 0.00001; ExAC 0.00001; gnomAD 0.00001; TOPMed 0.00001.

Submission:

Labcorp Genetics (formerly Invitae), Labcorp
Classification: Uncertain significance. Last evaluated: 2022-04-11. Review status: criteria provided, single submitter. Criteria: Invitae Variant Classification Sherloc (09022015). Collection method: clinical testing. Allele origin: germline.
Comment: Experimental studies and prediction algorithms are not available or were not evaluated, and the functional significance of this variant is currently unknown. This variant has not been reported in the literature in individuals affected with TMEM38B-related conditions. This variant is present in population databases (rs754889246, gnomAD 0.002%). This sequence change affects the initiator methionine of the TMEM38B mRNA. The next in-frame methionine is located at codon 17. In summary, the available evidence is currently insufficient to determine the role of this variant in disease. Therefore, it has been classified as a Variant of Uncertain Significance.